The following is an entry in ClinVar:

NM_006011.4(ST8SIA2):c.956C>T (p.Pro319Leu)

Gene: ST8SIA2 (ST8 alpha-N-acetyl-neuraminide alpha-2,8-sialyltransferase 2; plus strand). Cytogenetic location: 15q26.1.
Variant type: single nucleotide variant.
Coding change: c.956C>T on transcript NM_006011.4 (MANE Select); coding-DNA position 956, C replaced by T.
Protein change: p.Pro319Leu; replaces proline 319 with leucine.
Molecular consequence: missense variant.
Genome position (GRCh38, 1-based): chr15:92,464,213, C>T. VCF-style: chr15-92464213-C-T. GRCh37 (hg19) VCF-style: chr15-93007443-C-T.
Other names: c.893C>T, p.Pro298Leu (NM_001330416.2); short protein forms P298L, P319L.
Identifiers: ClinVar variation 4978810 (VCV004978810.1).
Genomic context (GRCh38, chr15:92,464,213, plus strand): 5'-TGTATACCCTGGCCACACGTTTCTGCAAACAAATCTACCTCTACGGCTTCTGGCCCTTTC[C>T]GCTGGATCAGAACCAGAACCCAGTCAAGTACCACTATTATGACAGCCTCAAGTATGGCTA-3'
Protein context (NP_006002.1, residues 309-329): QIYLYGFWPF[Pro319Leu]LDQNQNPVKY

ClinVar aggregate classification (germline): Likely benign (1 of 4 stars; one submission).

Conditions:
ST8SIA2-related disorder. Also called: ST8SIA2-related condition.

gnomAD v4.1: 254 of 1,613,858 alleles (0.016%); highest among the groups gnomAD compares: Middle Eastern, 0.18%; no homozygotes.

Submission:

PreventionGenetics, part of Exact Sciences
Classification: Likely benign for ST8SIA2-related condition. Last evaluated: 2025-11-13. Review status: criteria provided, single submitter. Criteria: ACMG Guidelines, 2015. Collection method: clinical testing. Allele origin: germline.
Comment: This variant is classified as likely benign based on ACMG/AMP sequence variant interpretation guidelines (Richards et al. 2015 PMID: 25741868, with internal and published modifications).